The following is an entry in ClinVar:

ClinVar aggregate classification (germline): Uncertain significance (1 of 4 stars; one submission).

Conditions:
LAMA2-related muscular dystrophy (LAMA2-RD). Also called: Laminin alpha 2-related dystrophy. Identifiers: MedGen C5679788, MONDO:0100228.

Allele frequency attached by ClinVar (database versions not stated): gnomAD exomes below 0.00001; ExAC 0.00001; gnomAD 0.00001.
gnomAD v4.1: 4 of 1,613,984 alleles (0.00025%); highest among the groups gnomAD compares: Admixed American, 0.0017%; no homozygotes.

Submission:

Labcorp Genetics (formerly Invitae), Labcorp
Classification: Uncertain significance for LAMA2-related muscular dystrophy. Last evaluated: 2021-08-26. Review status: criteria provided, single submitter. Criteria: Invitae Variant Classification Sherloc (09022015). Collection method: clinical testing. Allele origin: germline.
Comment: This sequence change replaces isoleucine with valine at codon 1257 of the LAMA2 protein (p.Ile1257Val). The isoleucine residue is moderately conserved and there is a small physicochemical difference between isoleucine and valine. This variant is present in population databases (rs769358660, ExAC 0.002%). This variant has not been reported in the literature in individuals affected with LAMA2-related conditions. Algorithms developed to predict the effect of missense changes on protein structure and function (SIFT, PolyPhen-2, Align-GVGD) all suggest that this variant is likely to be tolerated. In summary, the available evidence is currently insufficient to determine the role of this variant in disease. Therefore, it has been classified as a Variant of Uncertain Significance.

NM_000426.4(LAMA2):c.3769A>G (p.Ile1257Val)

Gene: LAMA2 (laminin subunit alpha 2; plus strand). Cytogenetic location: 6q22.33.
Variant type: single nucleotide variant.
Coding change: c.3769A>G on transcript NM_000426.4 (MANE Select); coding-DNA position 3769, A replaced by G.
Protein change: p.Ile1257Val; replaces isoleucine 1257 with valine.
Molecular consequence: missense variant.
Genome position (GRCh38, 1-based): chr6:129,315,795, A>G. VCF-style: chr6-129315795-A-G. GRCh37 (hg19) VCF-style: chr6-129636940-A-G.
Other names: c.3769A>G, p.Ile1257Val (NM_001079823.2); short protein forms I1257V.
Identifiers: ClinVar variation 954283 (VCV000954283.7), dbSNP rs769358660, ClinGen allele CA3993359.